The following is an entry in ClinVar:

ClinVar aggregate classification (germline): Benign/Likely benign. Review status: criteria provided, multiple submitters, no conflicts (2 of 4 stars). 3 submissions from 3 submitters: Benign (1); Likely benign (2). Last evaluated 2024-03-07.

Conditions:
Familial adenomatous polyposis 1 (FAP1). Also called: FAMILIAL ADENOMATOUS POLYPOSIS 1, ATTENUATED; POLYPOSIS, ADENOMATOUS INTESTINAL. Identifiers: MedGen C2713442, MONDO:0021056, OMIM 175100. Disease mechanism: loss of function.
Hereditary cancer-predisposing syndrome. Also called: Hereditary Cancer Syndrome; Hereditary neoplastic syndrome; Neoplastic Syndromes, Hereditary; Tumor predisposition. Identifiers: Orphanet 140162, MedGen C0027672, MeSH D009386, MONDO:0015356.

Allele frequency attached by ClinVar (database versions not stated): gnomAD exomes below 0.00001.
gnomAD v4.1: 2 of 1,613,760 alleles (0.00012%); highest among the groups gnomAD compares: East Asian, 0.0045%; no homozygotes.

Submissions (3):

Myriad Genetics, Inc.
Classification: Benign for Familial adenomatous polyposis 1. Last evaluated: 2024-03-07. Review status: criteria provided, single submitter. Criteria: Myriad Autosomal Dominant, Autosomal Recessive and X-Linked Classification Criteria (2023). Collection method: clinical testing. Allele origin: unknown.
Comment: This variant is considered benign. This variant is a silent/synonymous amino acid change and it is not expected to impact splicing.

Ambry Genetics
Classification: Likely benign for Hereditary cancer-predisposing syndrome. Last evaluated: 2022-01-27. Review status: criteria provided, single submitter. Criteria: Ambry Variant Classification Scheme 2023. Collection method: clinical testing. Allele origin: germline.

Labcorp Genetics (formerly Invitae), Labcorp
Classification: Likely benign for Familial adenomatous polyposis 1. Last evaluated: 2018-09-26. Review status: criteria provided, single submitter. Criteria: Invitae Variant Classification Sherloc (09022015). Collection method: clinical testing. Allele origin: germline.

NM_000038.6(APC):c.1752C>T (p.Thr584=)

Gene: APC (APC regulator of Wnt signaling pathway; plus strand). Cytogenetic location: 5q22.2.
Variant type: single nucleotide variant.
Coding change: c.1752C>T on transcript NM_000038.6 (MANE Select); coding-DNA position 1752, C replaced by T.
Protein change: p.Thr584=; no amino-acid change (threonine 584 retained).
Molecular consequence: synonymous variant.
Genome position (GRCh38, 1-based): chr5:112,834,959, C>T. VCF-style: chr5-112834959-C-T. GRCh37 (hg19) VCF-style: chr5-112170656-C-T.
Other names: c.1752C>T, p.Thr584= (NM_001127510.3, NM_001354895.2); c.1698C>T, p.Thr566= (NM_001127511.3); c.1806C>T, p.Thr602= (NM_001354896.2); c.1782C>T, p.Thr594= (NM_001354897.2); c.1677C>T, p.Thr559= (NM_001354898.2); c.1668C>T, p.Thr556= (NM_001354899.2); c.1629C>T, p.Thr543= (NM_001354900.2); c.1575C>T, p.Thr525= (NM_001354901.2); and 5 more.
Identifiers: ClinVar variation 754531 (VCV000754531.11), dbSNP rs1580603181, ClinGen allele CA445758362.